The following is an entry in ClinVar:

NM_005560.6(LAMA5):c.429C>T (p.Asn143=)

Gene: LAMA5 (laminin subunit alpha 5; minus strand). Cytogenetic location: 20q13.33.
Variant type: single nucleotide variant.
Coding change: c.429C>T on transcript NM_005560.6 (MANE Select); coding-DNA position 429, C replaced by T.
Protein change: p.Asn143=; no amino-acid change (asparagine 143 retained).
Molecular consequence: synonymous variant.
Genome position (GRCh38, 1-based): chr20:62,362,421, G>A on the plus strand (C>T on the coding strand, the complement: LAMA5 is on the minus strand). VCF-style: chr20-62362421-G-A. GRCh37 (hg19) VCF-style: chr20-60937477-G-A.
Other names: c.429C>T (NM_005560.4).
Identifiers: ClinVar variation 2078583 (VCV002078583.30), dbSNP rs139478345, ClinGen allele CA9944468.
Genomic context (GRCh38, chr20:62,362,421, plus strand): 5'-CAGAGATGGGGGCTGCAGCACGCAAAGAAGGGTCCCTACCTGGCCCAGGTCCAGGGTGAC[G>A]TTGACCTCGTTGTACTCCAGGCCGCGGGACAGCGGTGGACTCTGCCACCAGCGCTCCGTG-3'
Protein context (NP_005551.3, residues 133-153): LSRGLEYNEV[Asn143=]VTLDLGQVFH

ClinVar aggregate classification (germline): Likely benign. Review status: criteria provided, multiple submitters, no conflicts (2 of 4 stars). 4 submissions from 4 submitters: Likely benign (3). 1 of the submissions does not count toward it. Last evaluated 2026-05-01.

Conditions:
LAMA5-related disorder. Also called: LAMA5-related condition; LAMA5-Related Disorders.

Allele frequency attached by ClinVar (database versions not stated): 1000 Genomes Project 30x 0.00016; 1000 Genomes Project 0.00020; TOPMed 0.00028; gnomAD 0.00029; ExAC 0.00032; ESP Exome Variant Server 0.00039; gnomAD exomes 0.00057.
gnomAD v4.1: 831 of 1,568,726 alleles (0.053%); highest among the groups gnomAD compares: Non-Finnish European, 0.07%; 2 homozygotes.

Submissions (4):

CeGaT Center for Human Genetics Tuebingen
Classification: Likely benign. Last evaluated: 2026-05-01. Review status: criteria provided, single submitter. Criteria: CeGaT Center For Human Genetics Tuebingen Variant Classification Criteria Version 2. Collection method: clinical testing. Allele origin: germline. Affected: yes. Observed: 2 variant alleles.
Comment: LAMA5: BP4, BP7

Labcorp Genetics (formerly Invitae), Labcorp
Classification: Likely benign. Last evaluated: 2025-10-16. Review status: criteria provided, single submitter. Criteria: Invitae Variant Classification Sherloc (09022015). Collection method: clinical testing. Allele origin: germline.

Blueprint Genetics
Classification: Likely benign. Last evaluated: 2024-11-22. Review status: criteria provided, single submitter. Criteria: ACMG Guidelines, 2015. Collection method: clinical testing. Allele origin: germline.

PreventionGenetics, part of Exact Sciences
Classification: Likely benign for LAMA5-related condition. Last evaluated: 2021-04-06. Review status: no assertion criteria provided. Collection method: clinical testing. Allele origin: germline. Not counted in ClinVar's aggregate classification.
Comment: This variant is classified as likely benign based on ACMG/AMP sequence variant interpretation guidelines (Richards et al. 2015 PMID: 25741868, with internal and published modifications).